The following is an entry in ClinVar:

ClinVar aggregate classification (germline): Uncertain significance (1 of 4 stars; one submission).

Conditions:
Hereditary cancer-predisposing syndrome. Also called: Hereditary Cancer Syndrome; Hereditary neoplastic syndrome; Neoplastic Syndromes, Hereditary; Tumor predisposition. Identifiers: Orphanet 140162, MedGen C0027672, MeSH D009386, MONDO:0015356.

gnomAD v4.1: 1 of 1,583,038 alleles (0.000063%); highest among the groups gnomAD compares: South Asian, 0.0011%; no homozygotes.

Submission:

Ambry Genetics
Classification: Uncertain significance for Hereditary cancer-predisposing syndrome. Last evaluated: 2020-08-18. Review status: criteria provided, single submitter. Criteria: Ambry Variant Classification Scheme 2023. Collection method: clinical testing. Allele origin: germline.
Comment: The p.L426M variant (also known as c.1276C>A), located in coding exon 5 of the AXIN2 gene, results from a C to A substitution at nucleotide position 1276. The leucine at codon 426 is replaced by methionine, an amino acid with highly similar properties. This amino acid position is well conserved in available vertebrate species. In addition, this alteration is predicted to be tolerated by in silico analysis. Since supporting evidence is limited at this time, the clinical significance of this alteration remains unclear.

NM_004655.4(AXIN2):c.1276C>A (p.Leu426Met)

Gene: AXIN2 (axin 2; minus strand). Cytogenetic location: 17q24.1.
Variant type: single nucleotide variant.
Coding change: c.1276C>A on transcript NM_004655.4 (MANE Select); coding-DNA position 1276, C replaced by A.
Protein change: p.Leu426Met; replaces leucine 426 with methionine.
Molecular consequence: missense variant.
Genome position (GRCh38, 1-based): chr17:65,537,760, G>T on the plus strand (C>A on the coding strand, the complement: AXIN2 is on the minus strand). VCF-style: chr17-65537760-G-T. GRCh37 (hg19) VCF-style: chr17-63533878-G-T.
Other names: c.1276C>A, p.Leu426Met (NM_001363813.1); short protein forms L426M.
Identifiers: ClinVar variation 1766589 (VCV001766589.2), dbSNP rs1228091347, ClinGen allele CA400677834.